The following is an entry in ClinVar:

ClinVar aggregate classification (germline): Conflicting classifications of pathogenicity. Review status: criteria provided, conflicting classifications (1 of 4 stars). 3 submissions from 3 submitters: Uncertain significance (2); Likely benign (1). Last evaluated 2026-01-12.

Conditions:
Dilated cardiomyopathy 1DD (CMD1DD). Identifiers: Orphanet 154, MedGen C2750995, MONDO:0013168, OMIM 613172.
Cardiovascular phenotype. Identifiers: MedGen CN230736.

gnomAD v4.1: 8 of 1,551,626 alleles (0.00052%); highest among the groups gnomAD compares: Non-Finnish European, 0.0007%; no homozygotes.

Submissions (3):

Labcorp Genetics (formerly Invitae), Labcorp
Classification: Uncertain significance for Dilated cardiomyopathy 1DD. Last evaluated: 2026-01-12. Review status: criteria provided, single submitter. Criteria: Invitae Variant Classification Sherloc (09022015). Collection method: clinical testing. Allele origin: germline.
Comment: This sequence change replaces threonine, which is neutral and polar, with proline, which is neutral and non-polar, at codon 315 of the RBM20 protein (p.Thr315Pro). This variant is not present in population databases (gnomAD no frequency). This variant has not been reported in the literature in individuals affected with RBM20-related conditions. ClinVar contains an entry for this variant (Variation ID: 3590661). Invitae Evidence Modeling of protein sequence and biophysical properties (such as structural, functional, and spatial information, amino acid conservation, physicochemical variation, residue mobility, and thermodynamic stability) indicates that this missense variant is not expected to disrupt RBM20 protein function with a negative predictive value of 95%. In summary, the available evidence is currently insufficient to determine the role of this variant in disease. Therefore, it has been classified as a Variant of Uncertain Significance.

Ambry Genetics
Classification: Likely benign for Cardiovascular phenotype. Last evaluated: 2025-12-26. Review status: criteria provided, single submitter. Criteria: Ambry Variant Classification Scheme 2023. Collection method: clinical testing. Allele origin: germline.

Fulgent Genetics
Classification: Uncertain significance for Dilated cardiomyopathy 1DD. Last evaluated: 2024-04-16. Review status: criteria provided, single submitter. Criteria: ACMG Guidelines, 2015. Collection method: clinical testing. Allele origin: germline.

NM_001134363.3(RBM20):c.943A>C (p.Thr315Pro)

Gene: RBM20 (RNA binding motif protein 20; plus strand). Cytogenetic location: 10q25.2.
Variant type: single nucleotide variant.
Coding change: c.943A>C on transcript NM_001134363.3 (MANE Select); coding-DNA position 943, A replaced by C.
Protein change: p.Thr315Pro; replaces threonine 315 with proline.
Molecular consequence: missense variant.
Genome position (GRCh38, 1-based): chr10:110,781,552, A>C. VCF-style: chr10-110781552-A-C. GRCh37 (hg19) VCF-style: chr10-112541310-A-C.
Other names: short protein forms T315P.
Identifiers: ClinVar variation 3590661 (VCV003590661.4).